The following is an entry in ClinVar:

NM_005154.5(USP8):c.254A>C (p.Tyr85Ser)

Gene: USP8 (ubiquitin specific peptidase 8; plus strand). Cytogenetic location: 15q21.2.
Variant type: single nucleotide variant.
Coding change: c.254A>C on transcript NM_005154.5 (MANE Select); coding-DNA position 254, A replaced by C.
Protein change: p.Tyr85Ser; replaces tyrosine 85 with serine.
Molecular consequence: missense variant. On other transcripts: intron variant (1).
Genome position (GRCh38, 1-based): chr15:50,449,404, A>C. VCF-style: chr15-50449404-A-C. GRCh37 (hg19) VCF-style: chr15-50741601-A-C.
Other names: c.254A>C, p.Tyr85Ser (NM_001128610.3); c.105-9596A>C (NM_001283049.2); short protein forms Y85S.
Identifiers: ClinVar variation 944583 (VCV000944583.1), dbSNP rs1322588568, ClinGen allele CA392382784.

ClinVar aggregate classification (germline): Uncertain significance (1 of 4 stars; one submission).

Conditions:
Hereditary spastic paraplegia. Also called: Familial spastic paraparesis. Identifiers: Orphanet 685, MedGen C0037773, MONDO:0019064. Disease mechanism: loss of function.

Allele frequency attached by ClinVar (database versions not stated): gnomAD exomes below 0.00001 and 0.00003; TOPMed 0.00001; gnomAD 0.00002.
gnomAD v4.1: 41 of 1,574,586 alleles (0.0026%); highest among the groups gnomAD compares: Non-Finnish European, 0.0034%; no homozygotes.

Submission:

Labcorp Genetics (formerly Invitae), Labcorp
Classification: Uncertain significance for Hereditary spastic paraplegia. Last evaluated: 2019-07-09. Review status: criteria provided, single submitter. Criteria: Invitae Variant Classification Sherloc (09022015). Collection method: clinical testing. Allele origin: germline.
Comment: This sequence change replaces tyrosine with serine at codon 85 of the USP8 protein (p.Tyr85Ser). The tyrosine residue is moderately conserved and there is a large physicochemical difference between tyrosine and serine. This variant is not present in population databases (ExAC no frequency). This variant has not been reported in the literature in individuals with USP8-related conditions. Algorithms developed to predict the effect of missense changes on protein structure and function (SIFT, PolyPhen-2, Align-GVGD) all suggest that this variant is likely to be tolerated, but these predictions have not been confirmed by published functional studies and their clinical significance is uncertain. In summary, the available evidence is currently insufficient to determine the role of this variant in disease. Therefore, it has been classified as a Variant of Uncertain Significance.